The following is an entry in ClinVar:

NM_001844.5(COL2A1):c.1807G>C (p.Gly603Arg)

Gene: COL2A1 (collagen type II alpha 1 chain; minus strand). Cytogenetic location: 12q13.11.
Variant type: single nucleotide variant.
Coding change: c.1807G>C on transcript NM_001844.5 (MANE Select); coding-DNA position 1807, G replaced by C.
Protein change: p.Gly603Arg; replaces glycine 603 with arginine.
Molecular consequence: missense variant.
Genome position (GRCh38, 1-based): chr12:47,985,021, C>G on the plus strand (G>C on the coding strand, the complement: COL2A1 is on the minus strand). VCF-style: chr12-47985021-C-G. GRCh37 (hg19) VCF-style: chr12-48378804-C-G.
Other names: c.1600G>C, p.Gly534Arg (NM_033150.3); short protein forms G534R, G603R.
Identifiers: ClinVar variation 1803720 (VCV001803720.3), dbSNP rs2540144612, ClinGen allele CA384550552.

ClinVar aggregate classification (germline): Uncertain significance (1 of 4 stars; one submission).

Conditions:
COL2A1-related disorder. Also called: COL2A1-related condition; COL2A1-related disorders.

Submission:

Illumina Laboratory Services, Illumina
Classification: Uncertain significance for COL2A1-related disorders. Last evaluated: 2022-06-23. Review status: criteria provided, single submitter. Criteria: ICSLVariantClassificationCriteria RUGD 01 April 2020. Collection method: clinical testing. Allele origin: unknown.
Comment: The COL2A1 c.1807G>C (p.Gly603Arg) missense variant results in the substitution of glycine at amino acid position 603 with arginine. To our knowledge, this variant has not been reported in the peer-reviewed literature. Another variant at the same amino acid position, c.1808G>T (p.Gly603Val), classified as a variant of uncertain significance has been reported in a heterozygous state in two female siblings with adult early onset osteoarthritis (Ruault et al. 2020). The c.1807G>C variant is not found in version 2.1.1 or version 3.1.2 of the Genome Aggregation Database. The c.1807G>C variant lies within the collagen alpha-1(II) chain (182-1241aa) region within a Gly-Xaa-Yaa repeat motif. Glycine residues within these motifs of the triple helix domain are required for the structure and stability of fibrillar collagens (Shoulders et al. 2009; Gregersen et al. 2019). Multiple lines of computational evidence suggest the variant may have a deleterious effect on the gene or gene product. Based on the available evidence, the c.1807G>C (p.Gly603Arg) variant is classified as a variant of uncertain significance for COL2A1-related disorders.

Literature cited by the submitters: PubMed 19344236; PubMed 31021589; PubMed 32461654; PubMed 32510848.